The following is an entry in ClinVar:

NM_030962.4(SBF2):c.3298G>A (p.Ala1100Thr)

Genes: SBF2 (SET binding factor 2; minus strand), LOC101928008 (uncharacterized LOC101928008; plus strand). Cytogenetic location: 11p15.4.
Variant type: single nucleotide variant.
Coding change: c.3298G>A on transcript NM_030962.4 (MANE Select); coding-DNA position 3298, G replaced by A.
Protein change: p.Ala1100Thr; replaces alanine 1100 with threonine.
Molecular consequence: missense variant.
Genome position (GRCh38, 1-based): chr11:9,839,655, C>T on the plus strand (G>A on the coding strand, the complement: SBF2 is on the minus strand). VCF-style: chr11-9839655-C-T. GRCh37 (hg19) VCF-style: chr11-9861202-C-T.
Other names: c.3298G>A, p.Ala1100Thr (NM_001386339.1); c.3169G>A, p.Ala1057Thr (NM_001386342.1); short protein forms A1100T, A1057T.
Identifiers: ClinVar variation 859535 (VCV000859535.10), dbSNP rs1855971560, ClinGen allele CA379628989.
Genomic context (GRCh38, chr11:9,839,655, plus strand): 5'-GCTGATAGTCTCTGAAACAAGCTTTTTCCACCAACTGTTCCATTGTAGACTTCTCGGAGG[C>T]CTTCAGGGTGGTACTTGTGGGGAGCTCACTCTCATCTGAAACTGTGATGGTAGAGACAGA-3'
Protein context (NP_112224.1, residues 1090-1110): SELPTSTTLK[Ala1100Thr]SEKSTMEQLV

ClinVar aggregate classification (germline): Uncertain significance (1 of 4 stars; one submission).

Conditions:
Charcot-Marie-Tooth disease type 4. Also called: Charcot-Marie-Tooth disease, type IV; Charcot-Marie-Tooth, Type 4. Identifiers: Orphanet 64749, MedGen C4082197, MONDO:0018995.

Submission:

Labcorp Genetics (formerly Invitae), Labcorp
Classification: Uncertain significance for Charcot-Marie-Tooth disease type 4. Last evaluated: 2019-12-19. Review status: criteria provided, single submitter. Criteria: Invitae Variant Classification Sherloc (09022015). Collection method: clinical testing. Allele origin: germline.
Comment: This variant has not been reported in the literature in individuals with SBF2-related conditions. In summary, the available evidence is currently insufficient to determine the role of this variant in disease. Therefore, it has been classified as a Variant of Uncertain Significance. Algorithms developed to predict the effect of missense changes on protein structure and function (SIFT, PolyPhen-2, Align-GVGD) all suggest that this variant is likely to be tolerated, but these predictions have not been confirmed by published functional studies and their clinical significance is uncertain. This variant is not present in population databases (ExAC no frequency). This sequence change replaces alanine with threonine at codon 1100 of the SBF2 protein (p.Ala1100Thr). The alanine residue is moderately conserved and there is a small physicochemical difference between alanine and threonine.